The following is an entry in ClinVar:

NM_002335.4(LRP5):c.4096G>A (p.Asp1366Asn)

Gene: LRP5 (LDL receptor related protein 5; plus strand). Cytogenetic location: 11q13.2.
Variant type: single nucleotide variant.
Coding change: c.4096G>A on transcript NM_002335.4 (MANE Select); coding-DNA position 4096, G replaced by A.
Protein change: p.Asp1366Asn; replaces aspartic acid 1366 with asparagine.
Molecular consequence: missense variant.
Genome position (GRCh38, 1-based): chr11:68,436,984, G>A. VCF-style: chr11-68436984-G-A. GRCh37 (hg19) VCF-style: chr11-68204452-G-A.
Other names: c.4096G>A (NM_002335.2); c.2353G>A, p.Asp785Asn (NM_001291902.2); short protein forms D1366N, D785N.
Identifiers: ClinVar variation 1255570 (VCV001255570.11), dbSNP rs779534615, ClinGen allele CA6150231.
Genomic context (GRCh38, chr11:68,436,984, plus strand): 5'-GGCCAGTGTGTCCTCATCAAACAGCAGTGCGACTCCTTCCCCGACTGTATCGACGGCTCC[G>A]ACGAGCTCATGTGTGGTGAGCCAGCTTCTGGCACGGGGAAGGGGCGTCCGGGCTGGGTTC-3'
Protein context (NP_002326.2, residues 1356-1376): DSFPDCIDGS[Asp1366Asn]ELMCEITKPP

ClinVar aggregate classification (germline): Uncertain significance. Review status: criteria provided, multiple submitters, no conflicts (2 of 4 stars). 5 submissions from 5 submitters: Uncertain significance (4). 1 of the submissions does not count toward it. Last evaluated 2025-06-29.

Conditions:
Inborn genetic diseases. Identifiers: MedGen C0950123, MeSH D030342.
Bone mineral density quantitative trait locus 1 (BMND1). Identifiers: MedGen C1866079, OMIM 601884.
Exudative vitreoretinopathy 4 (EVR4). Identifiers: Orphanet 891, MedGen C1866176, MONDO:0011151, OMIM 601813.
Osteoporosis with pseudoglioma (OPPG). Also called: osteoporosis-pseudoglioma syndrome. Identifiers: Orphanet 2788, MedGen C0432252, MONDO:0009820, OMIM 259770.
Worth disease. Also called: ENDOSTEAL HYPEROSTOSIS, AUTOSOMAL DOMINANT; OSTEOSCLEROSIS, AUTOSOMAL DOMINANT; Autosomal dominant osteosclerosis, Worth type. Identifiers: Orphanet 2790, MedGen C0432273, MONDO:0007764, OMIM 144750.
Polycystic liver disease 4 with or without kidney cysts. Identifiers: MedGen C4693479, MONDO:0044327, OMIM 617875.
Autosomal dominant osteopetrosis 1 (OPTA1). Also called: OSTEOPETROSIS, AUTOSOMAL DOMINANT, TYPE I. Identifiers: Orphanet 2783, MedGen C1843330, MONDO:0011877, OMIM 607634.
Autosomal dominant polycystic liver disease. Also called: Congenital cystic disease of liver; Polycystic liver disease. Identifiers: Orphanet 2924, MedGen C0158683, MONDO:0000447, HP:0006557.

Allele frequency attached by ClinVar (database versions not stated): gnomAD exomes 0.00001; ExAC 0.00002; gnomAD 0.00005 and 0.00006; TOPMed 0.00006.
gnomAD v4.1: 28 of 1,613,364 alleles (0.0017%); highest among the groups gnomAD compares: African/African-American, 0.027%; 1 homozygote.

Submissions (5):

Labcorp Genetics (formerly Invitae), Labcorp
Classification: Uncertain significance. Last evaluated: 2025-06-29. Review status: criteria provided, single submitter. Criteria: Invitae Variant Classification Sherloc (09022015). Collection method: clinical testing. Allele origin: germline.
Comment: This sequence change replaces aspartic acid, which is acidic and polar, with asparagine, which is neutral and polar, at codon 1366 of the LRP5 protein (p.Asp1366Asn). This variant is present in population databases (rs779534615, gnomAD 0.01%). This variant has not been reported in the literature in individuals affected with LRP5-related conditions. ClinVar contains an entry for this variant (Variation ID: 1255570). Invitae Evidence Modeling of protein sequence and biophysical properties (such as structural, functional, and spatial information, amino acid conservation, physicochemical variation, residue mobility, and thermodynamic stability) has been performed for this missense variant. However, the output from this modeling did not meet the statistical confidence thresholds required to predict the impact of this variant on LRP5 protein function. In summary, the available evidence is currently insufficient to determine the role of this variant in disease. Therefore, it has been classified as a Variant of Uncertain Significance.

Ambry Genetics
Classification: Uncertain significance for Inborn genetic diseases. Last evaluated: 2025-06-11. Review status: criteria provided, single submitter. Criteria: Ambry Variant Classification Scheme 2023. Collection method: clinical testing. Allele origin: germline.

Fulgent Genetics
Classification: Uncertain significance for Worth disease; Osteoporosis with pseudoglioma; Exudative vitreoretinopathy 4; Bone mineral density quantitative trait locus 1; Autosomal dominant osteopetrosis 1; Polycystic liver disease 4 with or without kidney cysts. Last evaluated: 2024-05-06. Review status: criteria provided, single submitter. Criteria: ACMG Guidelines, 2015. Collection method: clinical testing. Allele origin: germline.

Blueprint Genetics
Classification: Uncertain significance. Last evaluated: 2022-08-31. Review status: criteria provided, single submitter. Criteria: ACMG Guidelines, 2015. Collection method: clinical testing. Allele origin: germline.

Laboratory of Gastroenterology and Hepatology, Radboud University Medical Center
Classification: Uncertain significance for Autosomal dominant polycystic liver disease. Last evaluated: 2021-09-01. Review status: no assertion criteria provided. Collection method: research. Allele origin: germline. Affected: yes. Not counted in ClinVar's aggregate classification.